The following is an entry in ClinVar:

ClinVar aggregate classification (germline): Uncertain significance (1 of 4 stars; one submission).

Allele frequency attached by ClinVar (database versions not stated): ExAC 0.00001.
gnomAD v4.1: 2 of 1,608,476 alleles (0.00012%); highest among the groups gnomAD compares: East Asian, 0.0045%; no homozygotes.

Submission:

Mayo Clinic Laboratories, Mayo Clinic
Classification: Uncertain significance. Last evaluated: 2022-11-11. Review status: criteria provided, single submitter. Criteria: ACMG Guidelines, 2015. Collection method: clinical testing. Allele origin: germline. Observed: 1 variant allele.
Comment: BP4

NM_030787.4(CFHR5):c.258G>T (p.Met86Ile)

Gene: CFHR5 (complement factor H related 5; plus strand). Cytogenetic location: 1q31.3.
Variant type: single nucleotide variant.
Coding change: c.258G>T on transcript NM_030787.4 (MANE Select); coding-DNA position 258, G replaced by T.
Protein change: p.Met86Ile; replaces methionine 86 with isoleucine.
Molecular consequence: missense variant.
Genome position (GRCh38, 1-based): chr1:196,983,965, G>T. VCF-style: chr1-196983965-G-T. GRCh37 (hg19) VCF-style: chr1-196953095-G-T.
Other names: p.Met86Ile; short protein forms M86I.
Identifiers: ClinVar variation 2682708 (VCV002682708.1), dbSNP rs775616599, ClinGen allele CA1307687.